The following is an entry in ClinVar:

ClinVar aggregate classification (germline): Likely benign (1 of 4 stars; one submission).

gnomAD v4.1: 9 of 1,608,578 alleles (0.00056%); highest among the groups gnomAD compares: East Asian, 0.02%; no homozygotes.

Submission:

Mayo Clinic Laboratories, Mayo Clinic
Classification: Likely benign. Last evaluated: 2025-04-22. Review status: criteria provided, single submitter. Criteria: ACMG Guidelines, 2015. Collection method: clinical testing. Allele origin: germline. Observed: 1 variant allele.
Comment: BP4, BP7

NM_022489.4(INF2):c.174G>A (p.Glu58=)

Gene: INF2 (inverted formin 2; plus strand). Cytogenetic location: 14q32.33.
Variant type: single nucleotide variant.
Coding change: c.174G>A on transcript NM_022489.4 (MANE Select); coding-DNA position 174, G replaced by A.
Protein change: p.Glu58=; no amino-acid change (glutamic acid 58 retained).
Molecular consequence: synonymous variant. On other transcripts: non-coding transcript variant (1).
Genome position (GRCh38, 1-based): chr14:104,701,539, G>A. VCF-style: chr14-104701539-G-A. GRCh37 (hg19) VCF-style: chr14-105167876-G-A.
Other names: p.Glu58=; c.174G>A, p.Glu58= (NM_001031714.4, NM_001426862.1, NM_001426863.1 and 6 more transcripts).
Identifiers: ClinVar variation 4683937 (VCV004683937.1).